The following is an entry in ClinVar:

ClinVar aggregate classification (germline): Uncertain significance (1 of 4 stars; one submission).

Conditions:
Cardiovascular phenotype. Identifiers: MedGen CN230736.

Allele frequency attached by ClinVar (database versions not stated): TOPMed below 0.00001.

Submission:

Ambry Genetics
Classification: Uncertain significance for Cardiovascular phenotype. Last evaluated: 2021-12-18. Review status: criteria provided, single submitter. Criteria: Ambry Variant Classification Scheme 2023. Collection method: clinical testing. Allele origin: germline.
Comment: The p.A458S variant (also known as c.1372G>T), located in coding exon 9 of the LPL gene, results from a G to T substitution at nucleotide position 1372. The alanine at codon 458 is replaced by serine, an amino acid with similar properties. This amino acid position is conserved. In addition, this alteration is predicted to be tolerated by in silico analysis. Since supporting evidence is limited at this time, the clinical significance of this alteration remains unclear.

NM_000237.3(LPL):c.1372G>T (p.Ala458Ser)

Gene: LPL (lipoprotein lipase; plus strand). Cytogenetic location: 8p21.3.
Variant type: single nucleotide variant.
Coding change: c.1372G>T on transcript NM_000237.3 (MANE Select); coding-DNA position 1372, G replaced by T.
Protein change: p.Ala458Ser; replaces alanine 458 with serine.
Molecular consequence: missense variant.
Genome position (GRCh38, 1-based): chr8:19,962,164, G>T. VCF-style: chr8-19962164-G-T. GRCh37 (hg19) VCF-style: chr8-19819675-G-T.
Other names: short protein forms A458S.
Identifiers: ClinVar variation 1771083 (VCV001771083.2), dbSNP rs1200261559, ClinGen allele CA370639046.